The following is an entry in ClinVar:

ClinVar aggregate classification (germline): Benign/Likely benign. Review status: criteria provided, multiple submitters, no conflicts (2 of 4 stars). 4 submissions from 4 submitters: Benign (1); Likely benign (3). Last evaluated 2026-07-01.

Conditions:
Hereditary cancer-predisposing syndrome. Also called: Hereditary neoplastic syndrome; Tumor predisposition; Neoplastic Syndromes, Hereditary; Hereditary Cancer Syndrome. Identifiers: Orphanet 140162, MedGen C0027672, MeSH D009386, MONDO:0015356.
Gastrointestinal stromal tumor. Also called: Gastrointestinal stromal tumor, somatic; Gastrointestinal stroma tumor. Identifiers: Orphanet 44890, MedGen C0238198, MeSH D046152, MONDO:0011719, OMIM 606764, HP:0100723.

Allele frequency attached by ClinVar (database versions not stated): gnomAD exomes below 0.00001 and 0.00001; ExAC 0.00001; gnomAD 0.00001; TOPMed 0.00001.
gnomAD v4.1: 9 of 1,613,624 alleles (0.00056%); highest among the groups gnomAD compares: Non-Finnish European, 0.00076%; no homozygotes.

Submissions (4):

CeGaT Center for Human Genetics Tuebingen
Classification: Likely benign. Last evaluated: 2026-07-01. Review status: criteria provided, single submitter. Criteria: CeGaT Center For Human Genetics Tuebingen Variant Classification Criteria Version 2. Collection method: clinical testing. Allele origin: germline. Affected: yes. Observed: 2 variant alleles.
Comment: KIT: BP4, BP7

Myriad Genetics, Inc.
Classification: Benign for Gastrointestinal stromal tumor. Last evaluated: 2026-06-05. Review status: criteria provided, single submitter. Criteria: Myriad Autosomal Dominant, Autosomal Recessive and X-Linked Classification Criteria (2023). Collection method: clinical testing. Allele origin: unknown.
Comment: This variant is considered benign. This variant is a silent/synonymous amino acid change and it is not expected to impact splicing.

Labcorp Genetics (formerly Invitae), Labcorp
Classification: Likely benign for Gastrointestinal stromal tumor. Last evaluated: 2026-01-28. Review status: criteria provided, single submitter. Criteria: Invitae Variant Classification Sherloc (09022015). Collection method: clinical testing. Allele origin: germline.

Ambry Genetics
Classification: Likely benign for Hereditary cancer-predisposing syndrome. Last evaluated: 2022-05-30. Review status: criteria provided, single submitter. Criteria: Ambry Variant Classification Scheme 2023. Collection method: clinical testing. Allele origin: germline.

NM_000222.3(KIT):c.2736A>G (p.Leu912=)

Gene: KIT (KIT proto-oncogene, receptor tyrosine kinase; plus strand). Cytogenetic location: 4q12.
Variant type: single nucleotide variant.
Coding change: c.2736A>G on transcript NM_000222.3 (MANE Select); coding-DNA position 2736, A replaced by G.
Protein change: p.Leu912=; no amino-acid change (leucine 912 retained).
Molecular consequence: synonymous variant.
Genome position (GRCh38, 1-based): chr4:54,737,214, A>G. VCF-style: chr4-54737214-A-G. GRCh37 (hg19) VCF-style: chr4-55603380-A-G.
Other names: c.2724A>G, p.Leu908= (NM_001093772.2, NM_001385292.1); c.2739A>G, p.Leu913= (NM_001385284.1); c.2733A>G, p.Leu911= (NM_001385285.1); c.2721A>G, p.Leu907= (NM_001385286.1); c.2727A>G, p.Leu909= (NM_001385288.1); c.2736A>G, p.Leu912= (NM_001385290.1).
Identifiers: ClinVar variation 458930 (VCV000458930.26), dbSNP rs761004820, ClinGen allele CA2923846.
Genomic context (GRCh38, chr4:54,737,214, plus strand): 5'-TAAATGGCCCTTGTCTTGCAGGTATGACATAATGAAGACTTGCTGGGATGCAGATCCCCT[A>G]AAAAGACCAACATTCAAGCAAATTGTTCAGCTAATTGAGAAGCAGATTTCAGAGAGCACC-3'
Protein context (NP_000213.1, residues 902-922): IMKTCWDADP[Leu912=]KRPTFKQIVQ